The following is an entry in ClinVar:

NM_000043.6(FAS):c.545T>C (p.Leu182Ser)

Gene: FAS (Fas cell surface death receptor; plus strand). Cytogenetic location: 10q23.31.
Variant type: single nucleotide variant.
Coding change: c.545T>C on transcript NM_000043.6 (MANE Select); coding-DNA position 545, T replaced by C.
Protein change: p.Leu182Ser; replaces leucine 182 with serine.
Molecular consequence: missense variant. On other transcripts: non-coding transcript variant (5), intron variant (1).
Genome position (GRCh38, 1-based): chr10:89,010,792, T>C. VCF-style: chr10-89010792-T-C. GRCh37 (hg19) VCF-style: chr10-90770549-T-C.
Other names: c.545T>C, p.Leu182Ser (NM_001320619.2, NM_152872.4); c.590T>C, p.Leu197Ser (NM_001410956.1); c.505+192T>C (NM_152871.4); short protein forms L182S, L197S.
Identifiers: ClinVar variation 3649188 (VCV003649188.2).

ClinVar aggregate classification (germline): Uncertain significance (1 of 4 stars; one submission).

Conditions:
Autoimmune lymphoproliferative syndrome type 1. Also called: AUTOIMMUNE LYMPHOPROLIFERATIVE SYNDROME, TYPE I, AUTOSOMAL DOMINANT. Identifiers: Orphanet 3261, MedGen C2717884, MONDO:0011158, OMIM 601859.

Submission:

Labcorp Genetics (formerly Invitae), Labcorp
Classification: Uncertain significance for Autoimmune lymphoproliferative syndrome. Last evaluated: 2024-04-08. Review status: criteria provided, single submitter. Criteria: Invitae Variant Classification Sherloc (09022015). Collection method: clinical testing. Allele origin: germline.
Comment: This sequence change replaces leucine, which is neutral and non-polar, with serine, which is neutral and polar, at codon 182 of the FAS protein (p.Leu182Ser). This variant is not present in population databases (gnomAD no frequency). This variant has not been reported in the literature in individuals affected with FAS-related conditions. Advanced modeling of protein sequence and biophysical properties (such as structural, functional, and spatial information, amino acid conservation, physicochemical variation, residue mobility, and thermodynamic stability) has been performed at Invitae for this missense variant, however the output from this modeling did not meet the statistical confidence thresholds required to predict the impact of this variant on FAS protein function. In summary, the available evidence is currently insufficient to determine the role of this variant in disease. Therefore, it has been classified as a Variant of Uncertain Significance.